The following is an entry in ClinVar:

ClinVar aggregate classification (germline): Uncertain significance (1 of 4 stars; one submission).

Allele frequency attached by ClinVar (database versions not stated): ExAC 0.00001; gnomAD 0.00001; gnomAD exomes 0.00001.
gnomAD v4.1: 13 of 1,611,104 alleles (0.00081%); highest among the groups gnomAD compares: Non-Finnish European, 0.00085%; no homozygotes.

Submission:

Labcorp Genetics (formerly Invitae), Labcorp
Classification: Uncertain significance. Last evaluated: 2022-09-01. Review status: criteria provided, single submitter. Criteria: Invitae Variant Classification Sherloc (09022015). Collection method: clinical testing. Allele origin: germline.
Comment: In summary, the available evidence is currently insufficient to determine the role of this variant in disease. Therefore, it has been classified as a Variant of Uncertain Significance. Experimental studies and prediction algorithms are not available or were not evaluated, and the functional significance of this variant is currently unknown. This variant has not been reported in the literature in individuals affected with COL18A1-related conditions. This variant is present in population databases (rs774208933, gnomAD 0.002%). This sequence change replaces glycine, which is neutral and non-polar, with valine, which is neutral and non-polar, at codon 730 of the COL18A1 protein (p.Gly730Val).

NM_001379500.1(COL18A1):c.2189G>T (p.Gly730Val)

Gene: COL18A1 (collagen type XVIII alpha 1 chain; plus strand). Cytogenetic location: 21q22.3.
Variant type: single nucleotide variant.
Coding change: c.2189G>T on transcript NM_001379500.1 (MANE Select); coding-DNA position 2189, G replaced by T.
Protein change: p.Gly730Val; replaces glycine 730 with valine.
Molecular consequence: missense variant.
Genome position (GRCh38, 1-based): chr21:45,492,688, G>T. VCF-style: chr21-45492688-G-T. GRCh37 (hg19) VCF-style: chr21-46912602-G-T.
Other names: c.2729G>T, p.Gly910Val (NM_030582.4); c.3434G>T, p.Gly1145Val (NM_130444.3); short protein forms G1145V, G730V, G910V.
Identifiers: ClinVar variation 1954226 (VCV001954226.4), dbSNP rs774208933, ClinGen allele CA10066910.
Genomic context (GRCh38, chr21:45,492,688, plus strand): 5'-GTCCGGGCAGGCGCGAGGGTGCGTGATGACCCCAGCTGACGCCGTCCCTCTTTCCCCAGG[G>T]CCGGCCGGGTTTCGCAGGCTTTCCCGTGAGTAACCTGGTGCCAGAGCTGCATGCTGCCCG-3'
Protein context (NP_001366429.1, residues 720-740): GSVLSVPGPE[Gly730Val]RPGFAGFPGP